The following is an entry in ClinVar:

NM_000532.5(PCCB):c.1228C>T (p.Arg410Trp)

Gene: PCCB (propionyl-CoA carboxylase subunit beta; plus strand). Cytogenetic location: 3q22.3.
Variant type: single nucleotide variant.
Coding change: c.1228C>T on transcript NM_000532.5 (MANE Select); coding-DNA position 1228, C replaced by T.
Protein change: p.Arg410Trp; replaces arginine 410 with tryptophan.
Molecular consequence: missense variant.
Genome position (GRCh38, 1-based): chr3:136,327,184, C>T. VCF-style: chr3-136327184-C-T. GRCh37 (hg19) VCF-style: chr3-136046026-C-T.
Other names: R412W; c.1288C>T, p.Arg430Trp (NM_001178014.2); short protein forms R410W, R430W.
Identifiers: ClinVar variation 12011 (VCV000012011.31), dbSNP rs121964959, ClinGen allele CA343136.
Genomic context (GRCh38, chr3:136,327,184, plus strand): 5'-TGGGTATCTAGTAACTCTTCCTCATGTCTAGGCACAGCACAGGAATACGGGGGCATCATC[C>T]GGCATGGTGCCAAGCTTCTCTACGCATTTGCTGAGGCAACTGTACCCAAAGTCACAGTCA-3'
Protein context (NP_000523.2, residues 400-420): GTAQEYGGII[Arg410Trp]HGAKLLYAFA

ClinVar aggregate classification (germline): Pathogenic/Likely pathogenic. Review status: criteria provided, multiple submitters, no conflicts (2 of 4 stars). 16 submissions from 16 submitters: Pathogenic (12); Likely pathogenic (1). 3 of the submissions do not count toward it. Last evaluated 2026-02-01.

Conditions:
PCCB-related disorder. Also called: PCCB-related condition.
Propionic acidemia (PROP). Also called: GLYCINEMIA, KETOTIC; HYPERGLYCINEMIA WITH KETOACIDOSIS AND LEUKOPENIA; KETOTIC HYPERGLYCINEMIA. Identifiers: Orphanet 35, MedGen C0268579, MONDO:0011628, OMIM 606054, HP:0003571.

Allele frequency attached by ClinVar (database versions not stated): ExAC 0.00002; gnomAD exomes 0.00004 and 0.00003; gnomAD 0.00006; TOPMed 0.00003.
gnomAD v4.1: 68 of 1,613,300 alleles (0.0042%); highest among the groups gnomAD compares: East Asian, 0.0067%; no homozygotes.

Submissions (16):

CeGaT Center for Human Genetics Tuebingen
Classification: Pathogenic. Last evaluated: 2026-02-01. Review status: criteria provided, single submitter. Criteria: CeGaT Center For Human Genetics Tuebingen Variant Classification Criteria Version 2. Collection method: clinical testing. Allele origin: germline. Affected: yes. Observed: 1 variant allele.
Comment: PCCB: PM3:Very Strong, PM2, PP3, PP4, PS3:Supporting

Labcorp Genetics (formerly Invitae), Labcorp
Classification: Pathogenic for Propionic acidemia. Last evaluated: 2026-01-03. Review status: criteria provided, single submitter. Criteria: Invitae Variant Classification Sherloc (09022015). Collection method: clinical testing. Allele origin: germline.
Comment: This sequence change replaces arginine, which is basic and polar, with tryptophan, which is neutral and slightly polar, at codon 410 of the PCCB protein (p.Arg410Trp). This variant is present in population databases (rs121964959, gnomAD 0.006%). This missense change has been observed in individuals with propionic acidemia (PMID: 8411997, 12007220, 22033733). ClinVar contains an entry for this variant (Variation ID: 12011). Invitae Evidence Modeling of protein sequence and biophysical properties (such as structural, functional, and spatial information, amino acid conservation, physicochemical variation, residue mobility, and thermodynamic stability) indicates that this missense variant is expected to disrupt PCCB protein function with a positive predictive value of 95%. Experimental studies have shown that this missense change affects PCCB function (PMID: 12757933, 15890657, 15949719). For these reasons, this variant has been classified as Pathogenic.

Natera, Inc.
Classification: Pathogenic for Propionic acidemia. Last evaluated: 2025-11-03. Review status: criteria provided, single submitter. Criteria: Natera Variant Classification Schema (03/2026). Collection method: clinical testing. Allele origin: germline.
Comment: The c.1228C>T variant in PCCB is a missense variant predicted to cause substitution of arginine to tryptophan at amino acid 410. This variant is rare in the general population with a frequency below the threshold expected for the associated phenotype(s). This variant has been observed in one or more individuals affected with the associated recessive disease, as either homozygous or compound heterozygous with a second variant (PMID: 35331292). Additionally, this variant has been observed to segregate in affected family members (PMID: 35331292). Computational prediction algorithms indicate this variant is likely to affect gene or protein function. Given the available evidence, this variant is classified as Pathogenic.

Mayo Clinic Laboratories, Mayo Clinic
Classification: Pathogenic. Last evaluated: 2025-08-27. Review status: criteria provided, single submitter. Criteria: ACMG Guidelines, 2015. Collection method: clinical testing. Allele origin: germline. Observed: 2 variant alleles.
Comment: PP3_strong, PM3_strong, PM5, PS3_supporting

GeneDx
Classification: Pathogenic. Last evaluated: 2025-07-29. Review status: criteria provided, single submitter. Criteria: GeneDx Variant Classification Process June 2021. Collection method: clinical testing. Allele origin: germline.
Comment: Published functional studies demonstrate a damaging effect:11.5% of wild-type propionyl-CoA carboxylase activity (PMID: 12757933); In silico analysis supports that this missense variant has a deleterious effect on protein structure/function; Not observed at significant frequency in large population cohorts (gnomAD); This variant is associated with the following publications: (PMID: 15059621, 8023851, 15890657, 12007220, 8411997, 12559849, 25865301, 9683601, 22033733, 15235904, 31589614, 33028371, 33473339, 36920900, 35331292, 12757933)

PreventionGenetics, part of Exact Sciences
Classification: Pathogenic for PCCB-related condition. Last evaluated: 2025-02-19. Review status: criteria provided, single submitter. Criteria: ACMG Guidelines, 2015. Collection method: clinical testing. Allele origin: germline.
Comment: The PCCB c.1228C>T variant is predicted to result in the amino acid substitution p.Arg410Trp. This variant, which has also been described as 1240C>T (Arg412Trp), has been reported in the homozygous state or heterozygous state along with a second PCCB variant in multiple individuals with propionic acidemia (Tahara et al. 1993. PubMed ID: 8411997; Chloupkova. 2002. PubMed ID: 12007220; Pérez-Cerdá et al. 2003. PubMed ID: 12757933; Stanescu et al. 2021. PubMed ID: 33473339; Liu. 2022. PubMed ID: 35331292). In a study using a human fibroblast cell line the p.Arg410Trp substitution was reported to reduce enzyme activity to ~11.5% of control (Pérez-Cerdá et al. 2003. PubMed ID: 12757933). An alternate substitution at the same amino acid (p.Arg410Gln) has also been reported in individuals with propionic acidemia (Lee et al. 2009. PubMed ID: 19238581; Laemmle et al. 2014. PubMed ID: 24916042), The c.1228C>T (p.Arg410Trp) variant is reported in 0.0065% of alleles in individuals of South Asian descent in gnomAD. In summary, this variant is interpreted as pathogenic.

3billion
Classification: Pathogenic for Propionic acidemia. Last evaluated: 2024-12-10. Review status: criteria provided, single submitter. Criteria: ACMG Guidelines, 2015. Collection method: clinical testing. Allele origin: germline. Affected: yes.
Comment: The variant is observed at an extremely low frequency in the gnomAD v4.1.0 dataset (total allele frequency: 0.004%). Predicted Consequence/Location: Missense variant Functional studies provide strong evidence of the variant having a damaging effect on the gene or gene product (PMID: 12757933). In silico tool predictions suggest damaging effect of the variant on gene or gene product [REVEL: 0.98 (>=0.6, sensitivity 0.68 and specificity 0.92); 3Cnet: 0.98 (>=0.6, sensitivity 0.72 and precision 0.9)]. The same nucleotide change resulting in the same amino acid change has been previously reported as pathogenic/likely pathogenic with strong evidence (ClinVar ID: VCV000012011 /PMID: 8411997 /3billion dataset). The variant has been reported to be in trans with a pathogenic variant as either compound heterozygous or homozygous in at least 2 similarly affected unrelated individuals (PMID: 12007220, 22033733, 33028371). A different missense change at the same codon (p.Arg410Gln) has been reported as pathogenic/likely pathogenic with strong evidence (ClinVar ID: VCV000557302 /PMID: 19238581). Therefore, this variant is classified as Pathogenic according to the recommendation of ACMG/AMP guideline.

Fulgent Genetics
Classification: Pathogenic for Propionic acidemia. Last evaluated: 2024-04-18. Review status: criteria provided, single submitter. Criteria: ACMG Guidelines, 2015. Collection method: clinical testing. Allele origin: germline.

Baylor Genetics
Classification: Pathogenic for Propionic acidemia. Last evaluated: 2024-02-25. Review status: criteria provided, single submitter. Criteria: ACMG Guidelines, 2015. Collection method: clinical testing. Allele origin: unknown.

Kasturba Medical College, Manipal, Kasturba Medical College, Manipal, Manipal Academy of Higher Education, Manipal, India
Classification: Likely pathogenic for Propionic acidemia. Last evaluated: 2023-07-25. Review status: criteria provided, single submitter. Criteria: ACMG Guidelines, 2015. Collection method: clinical testing. Allele origin: germline. Inheritance: Autosomal recessive inheritance. Affected: yes.
Comment: Biallelic loss-of-function variants in SLC13A5 are known to cause developmental and epileptic encephalopathy 25, with amelogenesis imperfecta (MIM# 615905).

Women's Health and Genetics/Laboratory Corporation of America, LabCorp
Classification: Pathogenic for Propionic acidemia. Last evaluated: 2020-03-13. Review status: criteria provided, single submitter. Criteria: LabCorp Variant Classification Summary - May 2015. Collection method: clinical testing. Allele origin: germline.
Comment: Variant summary: PCCB c.1228C>T (p.Arg410Trp) results in a non-conservative amino acid change located in the Acetyl-coenzyme A carboxyltransferase, C-terminal (IPR011763) of the encoded protein sequence. Five of five in-silico tools predict a damaging effect of the variant on protein function. The variant allele was found at a frequency of 2.8e-05 in 251032 control chromosomes (gnomAD). c.1228C>T has been reported in the literature in multiple individuals (both homozygous and compound heterozygous) affected with Propionic Acidemia (e.g. Chloupkova_2002, McCrory_2017, Kraus_2012, Gravel_1994). These data indicate that the variant is very likely to be associated with disease. In functional studies, the variant was found to have reduced enzymatic activity (Kraus_2012, Perez-Cedra_2003). Three ClinVar submitters (evaluation after 2014) cite the variant as likely pathogenic/pathogenic. Based on the evidence outlined above, the variant was classified as pathogenic

Mendelics
Classification: Pathogenic for Propionic acidemia. Last evaluated: 2019-05-28. Review status: criteria provided, single submitter. Criteria: Mendelics Assertion Criteria 2017. Collection method: clinical testing. Allele origin: unknown.

Juno Genomics, Hangzhou Juno Genomics, Inc
Classification: Pathogenic for Propionic acidemia. Review status: criteria provided, single submitter. Criteria: ACMG Guidelines, 2015. Collection method: clinical testing. Allele origin: germline.
Comment: Absent from controls (or at extremely low frequency if recessive) in Genome Aggregation Database.;Well-established in vitro or in vivo functional studies supportive of a damaging effect on the gene or gene product.;For recessive disorders, detected in trans with a pathogenic variant.;Co-segregation with disease in multiple affected family members.

Counsyl
Classification: Likely pathogenic for Propionic acidemia. Last evaluated: 2017-01-17. Review status: no assertion criteria provided. Collection method: clinical testing. Allele origin: unknown. Not counted in ClinVar's aggregate classification.

OMIM
Classification: Pathogenic for PROPIONIC ACIDEMIA. Last evaluated: 1999-01-01. Review status: no assertion criteria provided. Collection method: literature only. Allele origin: germline. Not counted in ClinVar's aggregate classification.

GeneReviews
No classification provided. Condition: Propionic acidemia. Review status: no classification provided. Collection method: literature only. Allele origin: unknown. Not counted in ClinVar's aggregate classification.

Literature cited by the submitters: PubMed 8411997 (cited by 5 submitters); PubMed 12007220 (cited by 5 submitters); PubMed 22033733 (cited by 5 submitters); PubMed 12757933 (cited by 6 submitters); PubMed 15890657 (cited by 3 submitters); PubMed 15949719 (cited by Labcorp Genetics (formerly Invitae), Labcorp and Mayo Clinic Laboratories, Mayo Clinic); PubMed 35331292 (cited by Natera, Inc. and Mayo Clinic Laboratories, Mayo Clinic); PubMed 33028371 (cited by Mayo Clinic Laboratories, Mayo Clinic and 3billion); PubMed 33473339 (cited by Mayo Clinic Laboratories, Mayo Clinic); PubMed 34203287 (cited by Mayo Clinic Laboratories, Mayo Clinic); PubMed 19238581 (cited by 3billion); PubMed 10502773 (cited by Kasturba Medical College, Manipal, Kasturba Medical College, Manipal, Manipal Academy of Higher Education, Manipal, India and OMIM); PubMed 8023851 (cited by Women's Health and Genetics/Laboratory Corporation of America, LabCorp and Counsyl); PubMed 27776753 (cited by Women's Health and Genetics/Laboratory Corporation of America, LabCorp); PubMed 15059621 (cited by Counsyl); PubMed 2154743 (cited by OMIM); PubMed 22593918 (cited by GeneReviews); NCBI Bookshelf NBK92946 (cited by GeneReviews).